The following is an entry in ClinVar:

ClinVar aggregate classification (germline): Uncertain significance (1 of 4 stars; one submission).

Allele frequency attached by ClinVar (database versions not stated): gnomAD 0.00001; TOPMed 0.00001.
gnomAD v4.1: 5 of 1,580,554 alleles (0.00032%); highest among the groups gnomAD compares: East Asian, 0.0023%; no homozygotes.

Submission:

GeneDx
Classification: Uncertain significance. Last evaluated: 2022-04-25. Review status: criteria provided, single submitter. Criteria: GeneDx Variant Classification Process June 2021. Collection method: clinical testing. Allele origin: germline. Affected: yes.
Comment: Not observed at significant frequency in large population cohorts (gnomAD); In silico analysis supports that this missense variant has a deleterious effect on protein structure/function; Has not been previously published as pathogenic or benign to our knowledge

NM_001378454.1(ALMS1):c.251C>G (p.Pro84Arg)

Gene: ALMS1 (ALMS1 centrosome and basal body associated protein; plus strand). Cytogenetic location: 2p13.1.
Variant type: single nucleotide variant.
Coding change: c.251C>G on transcript NM_001378454.1 (MANE Select); coding-DNA position 251, C replaced by G.
Protein change: p.Pro84Arg; replaces proline 84 with arginine.
Molecular consequence: missense variant.
Genome position (GRCh38, 1-based): chr2:73,386,119, C>G. VCF-style: chr2-73386119-C-G. GRCh37 (hg19) VCF-style: chr2-73613247-C-G.
Other names: c.254C>G, p.Pro85Arg (NM_015120.4); short protein forms P84R, P85R.
Identifiers: ClinVar variation 1712876 (VCV001712876.2), dbSNP rs1025964615, ClinGen allele CA50369200.